The following is an entry in ClinVar:

ClinVar aggregate classification (germline): Uncertain significance (1 of 4 stars; one submission).

Allele frequency attached by ClinVar (database versions not stated): ExAC 0.00001; gnomAD exomes 0.00001.
gnomAD v4.1: 20 of 1,613,878 alleles (0.0012%); highest among the groups gnomAD compares: African/African-American, 0.0027%; no homozygotes.

Submission:

Labcorp Genetics (formerly Invitae), Labcorp
Classification: Uncertain significance. Last evaluated: 2023-01-16. Review status: criteria provided, single submitter. Criteria: Invitae Variant Classification Sherloc (09022015). Collection method: clinical testing. Allele origin: germline.
Comment: In summary, the available evidence is currently insufficient to determine the role of this variant in disease. Therefore, it has been classified as a Variant of Uncertain Significance. Advanced modeling of protein sequence and biophysical properties (such as structural, functional, and spatial information, amino acid conservation, physicochemical variation, residue mobility, and thermodynamic stability) performed at Invitae indicates that this missense variant is not expected to disrupt FAT4 protein function. This variant has not been reported in the literature in individuals affected with FAT4-related conditions. This variant is present in population databases (rs755643759, gnomAD 0.005%). This sequence change replaces arginine, which is basic and polar, with tryptophan, which is neutral and slightly polar, at codon 1698 of the FAT4 protein (p.Arg1698Trp).

NM_001291303.3(FAT4):c.5092C>T (p.Arg1698Trp)

Gene: FAT4 (FAT atypical cadherin 4; plus strand). Cytogenetic location: 4q28.1.
Variant type: single nucleotide variant.
Coding change: c.5092C>T on transcript NM_001291303.3 (MANE Select); coding-DNA position 5092, C replaced by T.
Protein change: p.Arg1698Trp; replaces arginine 1698 with tryptophan.
Molecular consequence: missense variant.
Genome position (GRCh38, 1-based): chr4:125,321,503, C>T. VCF-style: chr4-125321503-C-T. GRCh37 (hg19) VCF-style: chr4-126242658-C-T.
Other names: c.5092C>T, p.Arg1698Trp (NM_001291285.3, NM_024582.6); short protein forms R1698W.
Identifiers: ClinVar variation 2886519 (VCV002886519.1), dbSNP rs755643759, ClinGen allele CA3072576.